The following is an entry in ClinVar:

NM_000255.4(MMUT):c.1885dup (p.Arg629fs)

Gene: MMUT (methylmalonyl-CoA mutase; minus strand). Cytogenetic location: 6p12.3.
Variant type: Duplication.
Coding change: c.1885dup on transcript NM_000255.4 (MANE Select); coding-DNA position 1885, one base duplicated (A; older notation c.1885dupA).
Protein change: p.Arg629fs; shifts the reading frame from arginine 629.
Molecular consequence: frameshift variant.
Genome position (GRCh38, 1-based): chr6:49,440,277, T duplicated on the plus strand (A on the coding strand, the reverse complement: MMUT is on the minus strand). VCF-style (leftmost placement, unchanged base first): chr6-49440276-C-CT. GRCh37 (hg19) VCF-style: chr6-49407989-C-CT.
Other names: c.1885dupA (NM_000255.3); short protein forms R629fs.
Identifiers: ClinVar variation 568904 (VCV000568904.1), dbSNP rs1561952122, ClinGen allele CA891843173.
Genomic context (GRCh38, chr6:49,440,276, plus strand): 5'-GGGCCTATGTCCACATCAAAACCAAGATCAGCAAATCCTGTAGCAATAACTTTTGCTCCT[C>CT]TGTCATGGCCATCTTGTCCCATTTTTGCTACAAGAAGACGAGGTCTGCGACCTTCACGTT-3'

ClinVar aggregate classification (germline): Pathogenic (1 of 4 stars; one submission).

Conditions:
Methylmalonic aciduria due to methylmalonyl-CoA mutase deficiency (MAMM). Also called: Methylmalonic aciduria, mut type. Identifiers: Orphanet 27, MedGen C1855114, MONDO:0009612, OMIM 251000.

Submission:

Labcorp Genetics (formerly Invitae), Labcorp
Classification: Pathogenic for Methylmalonic aciduria due to methylmalonyl-CoA mutase deficiency. Last evaluated: 2018-04-24. Review status: criteria provided, single submitter. Criteria: Invitae Variant Classification Sherloc (09022015). Collection method: clinical testing. Allele origin: germline.
Comment: This sequence change creates a premature translational stop signal (p.Arg629Lysfs*12) in the MUT gene. It is expected to result in an absent or disrupted protein product. This variant is not present in population databases (ExAC no frequency). This variant has been reported in combination with another pathogenic MUT variant in an individual with methylmalonic acidemia (PMID:Â¬â€ 16281286). Loss-of-function variants in MUT are known to be pathogenic (PMID: 15781192). For these reasons, this variant has been classified as Pathogenic.